The following is an entry in ClinVar:

NM_005896.4(IDH1):c.223A>G (p.Thr75Ala)

Gene: IDH1 (isocitrate dehydrogenase (NADP(+)) 1; minus strand). Cytogenetic location: 2q34.
Variant type: single nucleotide variant.
Coding change: c.223A>G on transcript NM_005896.4 (MANE Select); coding-DNA position 223, A replaced by G.
Protein change: p.Thr75Ala; replaces threonine 75 with alanine.
Molecular consequence: missense variant.
Genome position (GRCh38, 1-based): chr2:208,248,560, T>C on the plus strand (A>G on the coding strand, the complement: IDH1 is on the minus strand). VCF-style: chr2-208248560-T-C. GRCh37 (hg19) VCF-style: chr2-209113284-T-C.
Other names: c.223A>G, p.Thr75Ala (NM_001282386.1, NM_001282387.1); short protein forms T75A.
Identifiers: ClinVar variation 3225135 (VCV003225135.1), dbSNP rs2469032448, ClinGen allele CA350102218.

ClinVar aggregate classification (germline): Uncertain significance (1 of 4 stars; one submission).

Submission:

Ambry Genetics
Classification: Uncertain significance. Last evaluated: 2024-01-19. Review status: criteria provided, single submitter. Criteria: Ambry Variant Classification Scheme 2023. Collection method: clinical testing. Allele origin: germline.
Comment: The p.T75A variant (also known as c.223A>G), located in coding exon 2 of the IDH1 gene, results from an A to G substitution at nucleotide position 223. The threonine at codon 75 is replaced by alanine, an amino acid with similar properties. This amino acid position is conserved. In addition, this alteration is predicted to be deleterious by in silico analysis. Based on the available evidence, the clinical significance of this alteration remains unclear.